The following is an entry in ClinVar:

NM_000020.3(ACVRL1):c.851_905del (p.Gly283_Ser284insTer)

Gene: ACVRL1 (activin A receptor like type 1; plus strand). Cytogenetic location: 12q13.13.
Variant type: Deletion.
Coding change: c.851_905del on transcript NM_000020.3 (MANE Select); coding-DNA positions 851 to 905, 55 bases deleted.
Protein change: p.Gly283_Ser284insTer.
Molecular consequence: nonsense.
Genome position (GRCh38, 1-based): chr12:51,915,303-51,915,357, 55 bases deleted. GRCh37 (hg19): chr12:52,309,087-52,309,141.
Other names: c.851_905del, p.Gly283_Ser284insTer (NM_001077401.2, NM_001406487.1, NM_001406488.1 and 1 more transcripts); c.539_593del, p.Gly179_Ser180insTer (NM_001406490.1, NM_001406491.1, NM_001406492.1 and 2 more transcripts); c.287_341del, p.Gly95_Ser96insTer (NM_001406495.1).
Identifiers: ClinVar variation 2841771 (VCV002841771.3), dbSNP rs2540164261, ClinGen allele CA2739272048.

ClinVar aggregate classification (germline): Pathogenic (1 of 4 stars; one submission).

Conditions:
Telangiectasia, hereditary hemorrhagic, type 2 (HHT2). Also called: Telangiectasia, hereditary hemorrhagic, type II; ACVRL1-Related Hereditary Hemorrhagic Telangiectasia. Identifiers: Orphanet 774, MedGen C1838163, MONDO:0010880, OMIM 600376. Disease mechanism: loss of function.

Submission:

Labcorp Genetics (formerly Invitae), Labcorp
Classification: Pathogenic for Telangiectasia, hereditary hemorrhagic, type 2. Last evaluated: 2023-04-06. Review status: criteria provided, single submitter. Criteria: Invitae Variant Classification Sherloc (09022015). Collection method: clinical testing. Allele origin: germline.
Comment: For these reasons, this variant has been classified as Pathogenic. This variant has not been reported in the literature in individuals affected with ACVRL1-related conditions. This variant is not present in population databases (gnomAD no frequency). This sequence change creates a premature translational stop signal (p.Ser284*) in the ACVRL1 gene. It is expected to result in an absent or disrupted protein product. Loss-of-function variants in ACVRL1 are known to be pathogenic (PMID: 15879500).

Literature cited by the submitters: PubMed 15879500.